The following is an entry in ClinVar:

ClinVar aggregate classification (germline): Uncertain significance (1 of 4 stars; one submission).

Submission:

Labcorp Genetics (formerly Invitae), Labcorp
Classification: Uncertain significance. Last evaluated: 2024-04-23. Review status: criteria provided, single submitter. Criteria: Invitae Variant Classification Sherloc (09022015). Collection method: clinical testing. Allele origin: germline.
Comment: This sequence change replaces aspartic acid, which is acidic and polar, with glycine, which is neutral and non-polar, at codon 38 of the FNIP1 protein (p.Asp38Gly). This variant is not present in population databases (gnomAD no frequency). This variant has not been reported in the literature in individuals affected with FNIP1-related conditions. An algorithm developed to predict the effect of missense changes on protein structure and function (PolyPhen-2) suggests that this variant is likely to be disruptive. In summary, the available evidence is currently insufficient to determine the role of this variant in disease. Therefore, it has been classified as a Variant of Uncertain Significance.

NM_133372.3(FNIP1):c.113A>G (p.Asp38Gly)

Gene: FNIP1 (folliculin interacting protein 1; minus strand). Cytogenetic location: 5q31.1.
Variant type: single nucleotide variant.
Coding change: c.113A>G on transcript NM_133372.3 (MANE Select); coding-DNA position 113, A replaced by G.
Protein change: p.Asp38Gly; replaces aspartic acid 38 with glycine.
Molecular consequence: missense variant.
Genome position (GRCh38, 1-based): chr5:131,744,670, T>C on the plus strand (A>G on the coding strand, the complement: FNIP1 is on the minus strand). VCF-style: chr5-131744670-T-C. GRCh37 (hg19) VCF-style: chr5-131080363-T-C.
Other names: c.113A>G, p.Asp38Gly (NM_001008738.3, NM_001346113.2, NM_001346114.2); short protein forms D38G.
Identifiers: ClinVar variation 3630584 (VCV003630584.2).